The following is an entry in ClinVar:

ClinVar aggregate classification (germline): Uncertain significance. Review status: criteria provided, multiple submitters, no conflicts (2 of 4 stars). 3 submissions from 3 submitters: Uncertain significance (3). Last evaluated 2025-05-27.

Conditions:
Left ventricular noncompaction 10 (LVNC10). Identifiers: Orphanet 154, Orphanet 54260, MedGen C3715165, MONDO:0014163, OMIM 615396.
Cardiomyopathy (CMYO). Also called: Cardiomyopathies. Identifiers: Orphanet 167848, MedGen C0878544, MONDO:0004994, HP:0001638. Inheritance: Various modes of inheritance.
Hypertrophic cardiomyopathy. Also called: HYPERTROPHIC MYOCARDIOPATHY. Identifiers: Orphanet 217569, MedGen C0007194, MeSH D002312, MONDO:0005045, HP:0001639.

Allele frequency attached by ClinVar (database versions not stated): TOPMed 0.00001.

Submissions (3):

Labcorp Genetics (formerly Invitae), Labcorp
Classification: Uncertain significance for Hypertrophic cardiomyopathy. Last evaluated: 2025-05-27. Review status: criteria provided, single submitter. Criteria: Invitae Variant Classification Sherloc (09022015). Collection method: clinical testing. Allele origin: germline.
Comment: This sequence change replaces proline, which is neutral and non-polar, with serine, which is neutral and polar, at codon 644 of the MYBPC3 protein (p.Pro644Ser). This variant is not present in population databases (gnomAD no frequency). This missense change has been observed in individual(s) with hypertrophic cardiomyopathy (internal data). ClinVar contains an entry for this variant (Variation ID: 1028163). An algorithm developed to predict the effect of missense changes on protein structure and function (PolyPhen-2) suggests that this variant is likely to be disruptive. In summary, the available evidence is currently insufficient to determine the role of this variant in disease. Therefore, it has been classified as a Variant of Uncertain Significance.

Color Diagnostics, LLC DBA Color Health
Classification: Uncertain significance for Cardiomyopathy. Last evaluated: 2024-06-03. Review status: criteria provided, single submitter. Criteria: ACMG Guidelines, 2015. Collection method: clinical testing. Allele origin: germline.
Comment: This missense variant replaces proline with serine at codon 644 of the MYBPC3 protein. Computational prediction suggests that this variant may not impact protein structure and function (internally defined REVEL score threshold <= 0.5, PMID: 27666373). To our knowledge, functional studies have not been reported for this variant. This variant has not been reported in individuals affected with MYBPC3-related disorders in the literature. This variant has not been identified in the general population by the Genome Aggregation Database (gnomAD). The available evidence is insufficient to determine the role of this variant in disease conclusively. Therefore, this variant is classified as a Variant of Uncertain Significance.

Baylor Genetics
Classification: Uncertain significance for Left ventricular noncompaction 10. Last evaluated: 2020-06-10. Review status: criteria provided, single submitter. Criteria: ACMG Guidelines, 2015. Collection method: clinical testing. Allele origin: unknown. Affected: yes.
Comment: This variant was determined to be of uncertain significance according to ACMG Guidelines, 2015 [PMID:25741868].

NM_000256.3(MYBPC3):c.1930C>T (p.Pro644Ser)

Gene: MYBPC3 (myosin binding protein C3; minus strand). Cytogenetic location: 11p11.2.
Variant type: single nucleotide variant.
Coding change: c.1930C>T on transcript NM_000256.3 (MANE Select); coding-DNA position 1930, C replaced by T.
Protein change: p.Pro644Ser; replaces proline 644 with serine.
Molecular consequence: missense variant.
Genome position (GRCh38, 1-based): chr11:47,339,788, G>A on the plus strand (C>T on the coding strand, the complement: MYBPC3 is on the minus strand). VCF-style: chr11-47339788-G-A. GRCh37 (hg19) VCF-style: chr11-47361339-G-A.
Other names: short protein forms P644S.
Identifiers: ClinVar variation 1028163 (VCV001028163.3), dbSNP rs2095886536, ClinGen allele CA380322072.